The following is an entry in ClinVar:

NM_001734.5(C1S):c.86C>A (p.Pro29His)

Gene: C1S (complement C1s; plus strand). Cytogenetic location: 12p13.31.
Variant type: single nucleotide variant.
Coding change: c.86C>A on transcript NM_001734.5 (MANE Select); coding-DNA position 86, C replaced by A.
Protein change: p.Pro29His; replaces proline 29 with histidine.
Molecular consequence: missense variant. On other transcripts: intron variant (1).
Genome position (GRCh38, 1-based): chr12:7,062,555, C>A. VCF-style: chr12-7062555-C-A. GRCh37 (hg19) VCF-style: chr12-7169859-C-A.
Other names: c.86C>A, p.Pro29His (NM_201442.4); c.-288-335C>A (NM_001346850.2); short protein forms P29H.
Identifiers: ClinVar variation 2766089 (VCV002766089.3), dbSNP rs915348733, ClinGen allele CA383687835.

ClinVar aggregate classification (germline): Uncertain significance (1 of 4 stars; one submission).

Submission:

Labcorp Genetics (formerly Invitae), Labcorp
Classification: Uncertain significance. Last evaluated: 2023-10-05. Review status: criteria provided, single submitter. Criteria: Invitae Variant Classification Sherloc (09022015). Collection method: clinical testing. Allele origin: germline.
Comment: This sequence change replaces proline, which is neutral and non-polar, with histidine, which is basic and polar, at codon 29 of the C1S protein (p.Pro29His). This variant is not present in population databases (gnomAD no frequency). This variant has not been reported in the literature in individuals affected with C1S-related conditions. An algorithm developed to predict the effect of missense changes on protein structure and function (PolyPhen-2) suggests that this variant is likely to be disruptive. In summary, the available evidence is currently insufficient to determine the role of this variant in disease. Therefore, it has been classified as a Variant of Uncertain Significance.